The following is an entry in ClinVar:

ClinVar aggregate classification (germline): Benign. Review status: criteria provided, multiple submitters, no conflicts (2 of 4 stars). 7 submissions from 7 submitters: Benign (6). 1 of the submissions does not count toward it. Last evaluated 2026-02-04.

Conditions:
Fetal akinesia deformation sequence 1 (FADS1). Also called: Fetal akinesia sequence; Pena-Shokeir syndrome type I. Identifiers: Orphanet 994, MedGen C1276035, MONDO:0100101, OMIM 208150, HP:0001989.
Congenital myasthenic syndrome 10. Also called: Myasthenia, limb-girdle, familial. Identifiers: Orphanet 590, MedGen C1850792, MONDO:0009690, OMIM 254300.

Allele frequency attached by ClinVar (database versions not stated): gnomAD exomes 0.00362; ExAC 0.00451; gnomAD 0.01365 and 0.01433; ESP Exome Variant Server 0.01464; TOPMed 0.01523; 1000 Genomes Project 0.01657; 1000 Genomes Project 30x 0.01968.
gnomAD v4.1: 5,217 of 1,600,082 alleles (0.33%); highest among the groups gnomAD compares: African/African-American, 4.2%; 79 homozygotes.

Submissions (7):

Labcorp Genetics (formerly Invitae), Labcorp
Classification: Benign for Congenital myasthenic syndrome 10; Fetal akinesia deformation sequence 1. Last evaluated: 2026-02-04. Review status: criteria provided, single submitter. Criteria: Invitae Variant Classification Sherloc (09022015). Collection method: clinical testing. Allele origin: germline.

Mayo Clinic Laboratories, Mayo Clinic
Classification: Benign. Last evaluated: 2023-09-26. Review status: criteria provided, single submitter. Criteria: ACMG Guidelines, 2015. Collection method: clinical testing. Allele origin: germline. Observed: 10 variant alleles.
Comment: BS1, BS2, BP4

GeneDx
Classification: Benign. Last evaluated: 2017-08-03. Review status: criteria provided, single submitter. Criteria: GeneDx Variant Classification (06012015). Collection method: clinical testing. Allele origin: germline. Affected: yes.
Comment: This variant is considered likely benign or benign based on one or more of the following criteria: it is a conservative change, it occurs at a poorly conserved position in the protein, it is predicted to be benign by multiple in silico algorithms, and/or has population frequency not consistent with disease.

Eurofins Ntd Llc (ga)
Classification: Benign. Last evaluated: 2014-12-16. Review status: criteria provided, single submitter. Criteria: EGL Classification Definitions 2015. Collection method: clinical testing. Allele origin: germline. Observed: 1 variant allele, 1 heterozygote.

Breakthrough Genomics
Classification: Benign. Review status: criteria provided, single submitter. Criteria: ACMG Guidelines, 2015. Collection method: not provided. Allele origin: germline. Inheritance: Autosomal recessive inheritance. Affected: yes.

PreventionGenetics, part of Exact Sciences
Classification: Benign. Review status: criteria provided, single submitter. Criteria: ACMG Guidelines, 2015. Collection method: clinical testing. Allele origin: germline.

Genetic Services Laboratory, University of Chicago
Classification: Likely benign for AllHighlyPenetrant. Review status: no assertion criteria provided. Collection method: clinical testing. Allele origin: germline. Inheritance: Autosomal recessive inheritance. Not counted in ClinVar's aggregate classification.
Comment: Likely benign based on allele frequency in 1000 Genomes Project or ESP global frequency and its presence in a patient with a rare or unrelated disease phenotype. NOT Sanger confirmed.

NM_173660.5(DOK7):c.1351C>T (p.Arg451Trp)

Gene: DOK7 (docking protein 7; plus strand). Cytogenetic location: 4p16.3.
Variant type: single nucleotide variant.
Coding change: c.1351C>T on transcript NM_173660.5 (MANE Select); coding-DNA position 1351, C replaced by T.
Protein change: p.Arg451Trp; replaces arginine 451 with tryptophan.
Molecular consequence: missense variant. On other transcripts: 3 prime UTR variant (1).
Genome position (GRCh38, 1-based): chr4:3,493,337, C>T. VCF-style: chr4-3493337-C-T. GRCh37 (hg19) VCF-style: chr4-3495064-C-T.
Other names: c.*572C>T (NM_001164673.2); c.421C>T, p.Arg141Trp (NM_001256896.2); c.1351C>T, p.Arg451Trp (NM_001301071.2); c.919C>T, p.Arg307Trp (NM_001363811.2); short protein forms R451W, R141W, R307W.
Identifiers: ClinVar variation 128910 (VCV000128910.23), dbSNP rs16844470, ClinGen allele CA152599.